The following is an entry in ClinVar:

ClinVar aggregate classification (germline): Uncertain significance (1 of 4 stars; one submission).

Conditions:
Hereditary cancer-predisposing syndrome. Also called: Neoplastic Syndromes, Hereditary; Tumor predisposition; Hereditary neoplastic syndrome; Hereditary Cancer Syndrome. Identifiers: Orphanet 140162, MedGen C0027672, MeSH D009386, MONDO:0015356.

gnomAD v4.1: 1 of 1,613,092 alleles (0.000062%); highest among the groups gnomAD compares: Admixed American, 0.0017%; no homozygotes.

Submission:

Ambry Genetics
Classification: Uncertain significance for Hereditary cancer-predisposing syndrome. Last evaluated: 2026-07-07. Review status: criteria provided, single submitter. Criteria: Ambry Variant Classification Scheme 2023. Collection method: clinical testing. Allele origin: germline.
Comment: The p.A80E variant (also known as c.239C>A), located in coding exon 4 of the SDHC gene, results from a C to A substitution at nucleotide position 239. The alanine at codon 80 is replaced by glutamic acid, an amino acid with dissimilar properties. This amino acid position is conserved. In addition, the in silico prediction for this alteration is inconclusive. Based on the available evidence, the clinical significance of this variant remains unclear.

NM_003001.5(SDHC):c.239C>A (p.Ala80Glu)

Gene: SDHC (succinate dehydrogenase complex subunit C; plus strand). Cytogenetic location: 1q23.3.
Variant type: single nucleotide variant.
Coding change: c.239C>A on transcript NM_003001.5 (MANE Select); coding-DNA position 239, C replaced by A.
Protein change: p.Ala80Glu; replaces alanine 80 with glutamic acid.
Molecular consequence: missense variant. On other transcripts: non-coding transcript variant (1), intron variant (2).
Genome position (GRCh38, 1-based): chr1:161,340,653, C>A. VCF-style: chr1-161340653-C-A. GRCh37 (hg19) VCF-style: chr1-161310443-C-A.
Other names: c.133+4C>A (NM_001407118.1); c.178+4C>A (NM_001407117.1); c.239C>A, p.Ala80Glu (NM_001035511.3); c.137C>A, p.Ala46Glu (NM_001035512.3, NM_001278172.3); c.80C>A, p.Ala27Glu (NM_001035513.3); c.359C>A, p.Ala120Glu (NM_001407115.1); c.182C>A, p.Ala61Glu (NM_001407116.1, NM_001407121.1); c.128C>A, p.Ala43Glu (NM_001407119.1, NM_001407120.1); short protein forms A43E, A46E, A27E, A120E, A61E, A80E.
Identifiers: ClinVar variation 5029322 (VCV005029322.1).